The following is an entry in ClinVar:

NM_001136191.3(KANK2):c.1521G>A (p.Gly507=)

Gene: KANK2 (KN motif and ankyrin repeat domains 2; minus strand). Cytogenetic location: 19p13.2.
Variant type: single nucleotide variant.
Coding change: c.1521G>A on transcript NM_001136191.3 (MANE Select); coding-DNA position 1521, G replaced by A.
Protein change: p.Gly507=; no amino-acid change (glycine 507 retained).
Molecular consequence: synonymous variant.
Genome position (GRCh38, 1-based): chr19:11,176,817, C>T on the plus strand (G>A on the coding strand, the complement: KANK2 is on the minus strand). VCF-style: chr19-11176817-C-T. GRCh37 (hg19) VCF-style: chr19-11287493-C-T.
Other names: c.1521G>A, p.Gly507= (NM_001329451.2, NM_001379555.1, NM_001379556.1 and 7 more transcripts); c.1545G>A, p.Gly515= (NM_001379548.1, NM_001379549.1, NM_001379550.1 and 5 more transcripts).
Identifiers: ClinVar variation 4748503 (VCV004748503.1).

ClinVar aggregate classification (germline): Uncertain significance (1 of 4 stars; one submission).

gnomAD v4.1: 10 of 1,507,866 alleles (0.00066%); highest among the groups gnomAD compares: Admixed American, 0.022%; no homozygotes.

Submission:

Labcorp Genetics (formerly Invitae), Labcorp
Classification: Uncertain significance. Last evaluated: 2025-05-07. Review status: criteria provided, single submitter. Criteria: Invitae Variant Classification Sherloc (09022015). Collection method: clinical testing. Allele origin: germline.
Comment: This sequence change affects codon 507 of the KANK2 mRNA. It is a 'silent' change, meaning that it does not change the encoded amino acid sequence of the KANK2 protein. It affects a nucleotide within the consensus splice site. This variant is present in population databases (no rsID available, gnomAD 0.04%). This variant has not been reported in the literature in individuals affected with KANK2-related conditions. Algorithms developed to predict the effect of sequence changes on RNA splicing suggest that this variant is not likely to affect RNA splicing. In summary, the available evidence is currently insufficient to determine the role of this variant in disease. Therefore, it has been classified as a Variant of Uncertain Significance.